The following is an entry in ClinVar:

ClinVar aggregate classification (germline): Uncertain significance (1 of 4 stars; one submission).

Conditions:
Joubert syndrome. Also called: CEREBELLOPARENCHYMAL DISORDER IV; JOUBERT-BOLTSHAUSER SYNDROME; Familial aplasia of the vermis. Identifiers: Orphanet 475, MedGen C5979921, MONDO:0018772.

Submission:

Labcorp Genetics (formerly Invitae), Labcorp
Classification: Uncertain significance for Joubert syndrome. Last evaluated: 2022-08-22. Review status: criteria provided, single submitter. Criteria: Invitae Variant Classification Sherloc (09022015). Collection method: clinical testing. Allele origin: germline.
Comment: In summary, the available evidence is currently insufficient to determine the role of this variant in disease. Therefore, it has been classified as a Variant of Uncertain Significance. Algorithms developed to predict the effect of sequence changes on RNA splicing suggest that this variant may disrupt the consensus splice site. This variant has not been reported in the literature in individuals affected with AHI1-related conditions. This variant is not present in population databases (gnomAD no frequency). This sequence change falls in intron 6 of the AHI1 gene. It does not directly change the encoded amino acid sequence of the AHI1 protein.

NM_001134831.2(AHI1):c.750-16_750-15insA

Gene: AHI1 (Abelson helper integration site 1; minus strand). Cytogenetic location: 6q23.3.
Variant type: Insertion.
Coding change: c.750-16_750-15insA on transcript NM_001134831.2 (MANE Select); 16 bases into the intron before coding-DNA position 750 through 15 bases into the intron before coding-DNA position 750, A inserted.
Molecular consequence: intron variant.
Genome position: GRCh38 VCF-style: chr6-135463321-C-CT. GRCh37 (hg19) VCF-style: chr6-135784459-C-CT.
Other names: c.750-16_750-15insA (NM_001134830.2, NM_001350503.2, NM_017651.5 and 2 more transcripts).
Identifiers: ClinVar variation 2022683 (VCV002022683.4), dbSNP rs2484977392, ClinGen allele CA2580075073.
Genomic context (GRCh38, chr6:135,463,321, plus strand): 5'-TTTCTTTTGTTCACCTTCAACTGTGTCACCAGAGATGGTCAATGTACTACAAATATAATC[C>CT]AAGTATCAGCCATTACAGATATATTATCATTATAATTATTATTCATGATGCAACAGAGTG-3'